The following is an entry in ClinVar:

ClinVar aggregate classification (germline): Pathogenic. Review status: criteria provided, single submitter (1 of 4 stars). 2 submissions from 2 submitters: Pathogenic (1). 1 of the submissions does not count toward it. Last evaluated 2022-07-06.

Conditions:
Cholestasis, progressive familial intrahepatic, 10 (PFIC10). Identifiers: MedGen C5676981, MONDO:0030810, OMIM 619868.

Submissions (2):

Labcorp Genetics (formerly Invitae), Labcorp
Classification: Pathogenic. Last evaluated: 2022-07-06. Review status: criteria provided, single submitter. Criteria: Invitae Variant Classification Sherloc (09022015). Collection method: clinical testing. Allele origin: germline.
Comment: For these reasons, this variant has been classified as Pathogenic. ClinVar contains an entry for this variant (Variation ID: 1686961). This premature translational stop signal has been observed in individual(s) with early-onset cholestasis (PMID: 32304554). This variant is not present in population databases (gnomAD no frequency). This sequence change creates a premature translational stop signal (p.Met621Hisfs*43) in the MYO5B gene. It is expected to result in an absent or disrupted protein product. Loss-of-function variants in MYO5B are known to be pathogenic (PMID: 18724368, 20186687).

OMIM
Classification: Pathogenic for CHOLESTASIS, PROGRESSIVE FAMILIAL INTRAHEPATIC, 10. Last evaluated: 2022-05-20. Review status: no assertion criteria provided. Collection method: literature only. Allele origin: germline. Not counted in ClinVar's aggregate classification.

Literature cited by the submitters: PubMed 32304554 (cited by Labcorp Genetics (formerly Invitae), Labcorp and OMIM); PubMed 18724368 (cited by Labcorp Genetics (formerly Invitae), Labcorp); PubMed 20186687 (cited by Labcorp Genetics (formerly Invitae), Labcorp).

NM_001080467.3(MYO5B):c.1860dup (p.Met621fs)

Gene: MYO5B (myosin VB; minus strand). Cytogenetic location: 18q21.1.
Variant type: Duplication.
Coding change: c.1860dup on transcript NM_001080467.3 (MANE Select); coding-DNA position 1860, one base duplicated (C; older notation c.1860dupC).
Protein change: p.Met621fs; shifts the reading frame from methionine 621.
Molecular consequence: frameshift variant.
Genome position (GRCh38, 1-based): chr18:49,937,290, G duplicated on the plus strand (C on the coding strand, the reverse complement: MYO5B is on the minus strand); the first of 6 consecutive G bases (chr18:49,937,290-49,937,295); duplicating any one gives the same sequence. VCF-style (leftmost placement, unchanged base first): chr18-49937289-T-TG. GRCh37 (hg19) VCF-style: chr18-47463659-T-TG.
Other names: short protein forms M621fs.
Identifiers: ClinVar variation 1686961 (VCV001686961.6), dbSNP rs1258766593, ClinGen allele CA780087506.